The following is an entry in ClinVar:

ClinVar aggregate classification (germline): Uncertain significance (1 of 4 stars; one submission).

Conditions:
Congenital disorder of glycosylation (CDG). Also called: Carbohydrate-deficient glycoprotein syndrome; Congenital disorders of glycosylation. Identifiers: Orphanet 137, MedGen C0282577, MONDO:0015286.

Submission:

Labcorp Genetics (formerly Invitae), Labcorp
Classification: Uncertain significance for Congenital disorder of glycosylation. Last evaluated: 2022-06-20. Review status: criteria provided, single submitter. Criteria: Invitae Variant Classification Sherloc (09022015). Collection method: clinical testing. Allele origin: germline.
Comment: This sequence change replaces valine with leucine at codon 305 of the RPN2 protein (p.Val305Leu). The valine residue is highly conserved and there is a small physicochemical difference between valine and leucine. This variant is not present in population databases (gnomAD no frequency). This variant has not been reported in the literature in individuals affected with RPN2-related conditions. Algorithms developed to predict the effect of missense changes on protein structure and function are either unavailable or do not agree on the potential impact of this missense change (SIFT: "Not Available"; PolyPhen-2: "Possibly Damaging"; Align-GVGD: "Not Available"). In summary, the available evidence is currently insufficient to determine the role of this variant in disease. Therefore, it has been classified as a Variant of Uncertain Significance.

NM_002951.5(RPN2):c.913G>C (p.Val305Leu)

Gene: RPN2 (ribophorin II; plus strand). Cytogenetic location: 20q11.23.
Variant type: single nucleotide variant.
Coding change: c.913G>C on transcript NM_002951.5 (MANE Select); coding-DNA position 913, G replaced by C.
Protein change: p.Val305Leu; replaces valine 305 with leucine.
Molecular consequence: missense variant.
Genome position (GRCh38, 1-based): chr20:37,210,092, G>C. VCF-style: chr20-37210092-G-C. GRCh37 (hg19) VCF-style: chr20-35838495-G-C.
Other names: c.817G>C, p.Val273Leu (NM_001135771.3); c.913G>C, p.Val305Leu (NM_001324299.2, NM_001324302.2, NM_001324303.2 and 1 more transcripts); c.961G>C, p.Val321Leu (NM_001324301.2, NM_001324305.2); c.442G>C, p.Val148Leu (NM_001324306.2); short protein forms V305L, V321L, V148L, V273L.
Identifiers: ClinVar variation 1470965 (VCV001470965.8), dbSNP rs2146607830, ClinGen allele CA408846878.
Genomic context (GRCh38, chr20:37,210,092, plus strand): 5'-TTTATTTATTTCCAGTTGCAAGTCACCAATGTTCTGTCTCAGCCTCTGACTCAGGCCACT[G>C]TTAAACTAGAACATGCTAAATCTGTTGCTTCCAGAGCCACTGTCCTCCAGAAGACATCCT-3'
Protein context (NP_002942.2, residues 295-315): VLSQPLTQAT[Val305Leu]KLEHAKSVAS